The following is an entry in ClinVar:

NM_002907.4(RECQL):c.725dup (p.Arg243fs)

Gene: RECQL (RecQ like helicase; minus strand). Cytogenetic location: 12p12.1.
Variant type: Duplication.
Coding change: c.725dup on transcript NM_002907.4 (MANE Select); coding-DNA position 725, one base duplicated (A; older notation c.725dupA).
Protein change: p.Arg243fs; shifts the reading frame from arginine 243.
Molecular consequence: frameshift variant.
Genome position (GRCh38, 1-based): chr12:21,477,945, T duplicated on the plus strand (A on the coding strand, the reverse complement: RECQL is on the minus strand); the first of 3 consecutive T bases (chr12:21,477,945-21,477,947); duplicating any one gives the same sequence. VCF-style (leftmost placement, unchanged base first): chr12-21477944-C-CT. GRCh37 (hg19) VCF-style: chr12-21630878-C-CT.
Other names: c.725dup, p.Arg243fs (NM_032941.3); short protein forms R243fs.
Identifiers: ClinVar variation 1757959 (VCV001757959.3), dbSNP rs2540357121, ClinGen allele CA2580085328.

ClinVar aggregate classification (germline): Uncertain significance (1 of 4 stars; one submission).

Submission:

Ambry Genetics
Classification: Uncertain significance. Last evaluated: 2025-11-04. Review status: criteria provided, single submitter. Criteria: Ambry Variant Classification Scheme 2023. Collection method: clinical testing. Allele origin: germline.
Comment: The c.725dupA variant, located in coding exon 6 of the RECQL gene, results from a duplication of A at nucleotide position 725, causing a translational frameshift with a predicted alternate stop codon (p.R243Afs*5). The evidence for this gene-disease relationship is limited; therefore, the clinical significance of this alteration is unclear.